The following is an entry in ClinVar:

NM_020207.7(ERCC6L2):c.2919_2923del (p.Lys974fs)

Gene: ERCC6L2 (ERCC excision repair 6 like 2; plus strand). Cytogenetic location: 9q22.32.
Variant type: Microsatellite.
Coding change: c.2919_2923del on transcript NM_020207.7 (MANE Select); coding-DNA positions 2919 to 2923, 5 bases deleted (AAAAG; older notation c.2919_2923delAAAAG).
Protein change: p.Lys974fs; shifts the reading frame from lysine 974.
Molecular consequence: frameshift variant. On other transcripts: non-coding transcript variant (1).
Genome position (GRCh38, 1-based): chr9:95,972,670-95,972,674, AAAAG deleted; deleting any 5 consecutive bases within chr9:95,972,664-95,972,674 gives the same sequence; the c. name uses the placement nearest the transcript's 3' end. VCF-style (leftmost placement, unchanged base first): chr9-95972663-TGAAAA-T. GRCh37 (hg19) VCF-style: chr9-98734945-TGAAAA-T.
Other names: c.2919_2923del, p.Lys974fs (NM_001375291.1, NM_001375292.1, NM_001375293.1 and 1 more transcripts); c.2919_2923delAAAAG (NM_020207.7); short protein forms K974fs.
Identifiers: ClinVar variation 1174158 (VCV001174158.2), dbSNP rs2133081935, ClinGen allele CA2580616253.

ClinVar aggregate classification (germline): Likely pathogenic (1 of 4 stars; one submission).

Conditions:
Bone marrow hypocellularity. Identifiers: MedGen C1855710, HP:0005528.

Submission:

Bone Marrow Failure laboratory, Queen Mary University London
Classification: Likely pathogenic for Bone marrow hypocellularity. Last evaluated: 2021-05-11. Review status: criteria provided, single submitter. Criteria: ACMG Guidelines, 2015. Collection method: research. Allele origin: germline. Affected: yes.
Comment: The following ACMG/AMP criteria were used: PVS1, PM2 and PP3.

Literature cited by the submitters: PubMed 29987015.